The following is an entry in ClinVar:

ClinVar aggregate classification (germline): Uncertain significance. Review status: criteria provided, multiple submitters, no conflicts (2 of 4 stars). 2 submissions from 2 submitters: Uncertain significance (2). Last evaluated 2025-04-24.

Conditions:
Autosomal recessive nonsyndromic hearing loss 12. Also called: DEAFNESS, AUTOSOMAL RECESSIVE 12. Identifiers: Orphanet 90636, MedGen C1832394, MONDO:0011067, OMIM 601386.

Allele frequency attached by ClinVar (database versions not stated): gnomAD exomes below 0.00001 and 0.00001; TOPMed below 0.00001; ExAC 0.00001.
gnomAD v4.1: 4 of 1,613,346 alleles (0.00025%); highest among the groups gnomAD compares: Non-Finnish European, 0.00034%; no homozygotes.

Submissions (2):

Victorian Clinical Genetics Services, Murdoch Childrens Research Institute
Classification: Uncertain significance for Autosomal recessive nonsyndromic hearing loss 12. Last evaluated: 2025-04-24. Review status: criteria provided, single submitter. Criteria: ACMG Guidelines, 2015. Collection method: clinical testing. Allele origin: germline. Affected: yes.
Comment: This variant is classified as VUS-3B. Evidence in support of pathogenic classification: Variant is present in gnomAD <0.01 for a recessive condition (v4: 4 heterozygote(s), 0 homozygote(s)). Evidence in support of benign classification: Missense variant predicted to be tolerated by in silico tool(s) or not conserved in placental mammals with a minor amino acid change. Additional information: Variant is predicted to result in a missense amino acid change from arginine to glycine; This variant is heterozygous; This gene is associated with autosomal recessive disease; Alternative amino acid change(s) at the same position are present in gnomAD (Highest allele count: v4: 6 heterozygote(s), 0 homozygote(s)); Previous evidence of pathogenicity for this variant is inconclusive. This variant has been classified as a VUS by a clinical laboratory in ClinVar; No published segregation evidence has been identified for this variant; No published functional evidence has been identified for this variant; No comparable missense variants have previous evidence for pathogenicity; Variant is located in the annotated cadherin domain (DECPHER); Loss of function is a known mechanism of disease in this gene and is associated with deafness 12 (MIM#601386), and Usher syndrome, type 1D/F (MIM#601067).

Labcorp Genetics (formerly Invitae), Labcorp
Classification: Uncertain significance. Last evaluated: 2024-02-24. Review status: criteria provided, single submitter. Criteria: Invitae Variant Classification Sherloc (09022015). Collection method: clinical testing. Allele origin: germline.
Comment: This sequence change replaces arginine, which is basic and polar, with glycine, which is neutral and non-polar, at codon 1483 of the CDH23 protein (p.Arg1483Gly). The frequency data for this variant in the population databases is considered unreliable, as metrics indicate poor data quality at this position in the gnomAD database. This variant has not been reported in the literature in individuals affected with CDH23-related conditions. ClinVar contains an entry for this variant (Variation ID: 1486574). Advanced modeling of protein sequence and biophysical properties (such as structural, functional, and spatial information, amino acid conservation, physicochemical variation, residue mobility, and thermodynamic stability) performed at Invitae indicates that this missense variant is not expected to disrupt CDH23 protein function with a negative predictive value of 95%. In summary, the available evidence is currently insufficient to determine the role of this variant in disease. Therefore, it has been classified as a Variant of Uncertain Significance.

NM_022124.6(CDH23):c.4447A>G (p.Arg1483Gly)

Gene: CDH23 (cadherin related 23; plus strand). Cytogenetic location: 10q22.1.
Variant type: single nucleotide variant.
Coding change: c.4447A>G on transcript NM_022124.6 (MANE Select); coding-DNA position 4447, A replaced by G.
Protein change: p.Arg1483Gly; replaces arginine 1483 with glycine.
Molecular consequence: missense variant.
Genome position (GRCh38, 1-based): chr10:71,739,731, A>G. VCF-style: chr10-71739731-A-G. GRCh37 (hg19) VCF-style: chr10-73499488-A-G.
Other names: short protein forms R1483G.
Identifiers: ClinVar variation 1486574 (VCV001486574.8), dbSNP rs759858721, ClinGen allele CA5545047.
Genomic context (GRCh38, chr10:71,739,731, plus strand): 5'-ATCGCGGGGGCCTTTGAGATCGTCACCACCAATGACTCCATTGGCGAAGTGTTTGTGGCC[A>G]GGCCCCTGGACAGAGAAGAGCTGGATCACTACATCCTCCAGGTGGGGCCTGGCCTCCCTT-3'
Protein context (NP_071407.4, residues 1473-1493): NDSIGEVFVA[Arg1483Gly]PLDREELDHY